The following is an entry in ClinVar:

NM_207361.6(FREM2):c.6669A>G (p.Gln2223=)

Gene: FREM2 (FRAS1 related extracellular matrix 2; plus strand). Cytogenetic location: 13q13.3.
Variant type: single nucleotide variant.
Coding change: c.6669A>G on transcript NM_207361.6 (MANE Select); coding-DNA position 6669, A replaced by G.
Protein change: p.Gln2223=; no amino-acid change (glutamine 2223 retained).
Molecular consequence: synonymous variant.
Genome position (GRCh38, 1-based): chr13:38,851,035, A>G. VCF-style: chr13-38851035-A-G. GRCh37 (hg19) VCF-style: chr13-39425172-A-G.
Other names: c.6669A>G (NM_207361.5).
Identifiers: ClinVar variation 312011 (VCV000312011.11), dbSNP rs114333791, ClinGen allele CA6955643.
Genomic context (GRCh38, chr13:38,851,035, plus strand): 5'-GATGGACGATGTGCTCTATGAGGAGGTAGAGGAGCTCCGCCTGGTACTCGGCACTCCACA[A>G]AGCAACTCTCCCTTTGGGGCTGCAGTTGGTGAACAAAATGAAACTCTCATAAGGATCCGA-3'
Protein context (NP_997244.4, residues 2213-2233): EELRLVLGTP[Gln2223=]SNSPFGAAVG

ClinVar aggregate classification (germline): Conflicting classifications of pathogenicity. Review status: criteria provided, conflicting classifications (1 of 4 stars). 3 submissions from 3 submitters: Uncertain significance (1); Benign (1). 1 of the submissions does not count toward it. Last evaluated 2026-01-26.

Conditions:
FREM2-related disorder. Also called: FREM2-related condition.
Fraser syndrome 2 (FRASRS2). Identifiers: MedGen C4540036, MONDO:0054738, OMIM 617666.

Allele frequency attached by ClinVar (database versions not stated): gnomAD 0.00012 and 0.00016; gnomAD exomes 0.00012 and 0.00035; TOPMed 0.00026; ExAC 0.00027; 1000 Genomes Project 30x 0.00031; 1000 Genomes Project 0.00040.
gnomAD v4.1: 206 of 1,614,092 alleles (0.013%); highest among the groups gnomAD compares: East Asian, 0.36%; 1 homozygote.

Submissions (3):

Labcorp Genetics (formerly Invitae), Labcorp
Classification: Benign. Last evaluated: 2026-01-26. Review status: criteria provided, single submitter. Criteria: Invitae Variant Classification Sherloc (09022015). Collection method: clinical testing. Allele origin: germline.

Illumina Laboratory Services, Illumina
Classification: Uncertain significance for Fraser syndrome 2. Last evaluated: 2018-01-13. Review status: criteria provided, single submitter. Criteria: ICSL Variant Classification Criteria 13 December 2019. Collection method: clinical testing. Allele origin: germline.

PreventionGenetics, part of Exact Sciences
Classification: Likely benign for FREM2-related condition. Last evaluated: 2022-09-06. Review status: no assertion criteria provided. Collection method: clinical testing. Allele origin: germline. Not counted in ClinVar's aggregate classification.
Comment: This variant is classified as likely benign based on ACMG/AMP sequence variant interpretation guidelines (Richards et al. 2015 PMID: 25741868, with internal and published modifications).